The following is an entry in ClinVar:

NM_018117.12(WDR11):c.1370C>T (p.Thr457Met)

Gene: WDR11 (WD repeat domain 11; plus strand). Cytogenetic location: 10q26.12.
Variant type: single nucleotide variant.
Coding change: c.1370C>T on transcript NM_018117.12 (MANE Select); coding-DNA position 1370, C replaced by T.
Protein change: p.Thr457Met; replaces threonine 457 with methionine.
Molecular consequence: missense variant.
Genome position (GRCh38, 1-based): chr10:120,871,245, C>T. VCF-style: chr10-120871245-C-T. GRCh37 (hg19) VCF-style: chr10-122630757-C-T.
Other names: short protein forms T457M.
Identifiers: ClinVar variation 3359598 (VCV003359598.2).

ClinVar aggregate classification (germline): Uncertain significance. Review status: criteria provided, multiple submitters, no conflicts (2 of 4 stars). 2 submissions from 2 submitters: Uncertain significance (2). Last evaluated 2024-08-10.

Conditions:
Inborn genetic diseases. Identifiers: MedGen C0950123, MeSH D030342.

gnomAD v4.1: 26 of 1,614,130 alleles (0.0016%); highest among the groups gnomAD compares: East Asian, 0.016%; no homozygotes.

Submissions (2):

Ambry Genetics
Classification: Uncertain significance for Inborn genetic diseases. Last evaluated: 2024-08-10. Review status: criteria provided, single submitter. Criteria: Ambry Variant Classification Scheme 2023. Collection method: clinical testing. Allele origin: germline.

GeneDx
Classification: Uncertain significance. Last evaluated: 2023-06-12. Review status: criteria provided, single submitter. Criteria: GeneDx Variant Classification Process June 2021. Collection method: clinical testing. Allele origin: germline. Affected: yes.
Comment: In silico analysis supports that this missense variant does not alter protein structure/function; Has not been previously published as pathogenic or benign to our knowledge